The following is an entry in ClinVar:

NM_000642.3(AGL):c.1603G>A (p.Val535Ile)

Gene: AGL (amylo-alpha-1,6-glucosidase and 4-alpha-glucanotransferase; plus strand). Cytogenetic location: 1p21.2.
Variant type: single nucleotide variant.
Coding change: c.1603G>A on transcript NM_000642.3 (MANE Select); coding-DNA position 1603, G replaced by A.
Protein change: p.Val535Ile; replaces valine 535 with isoleucine.
Molecular consequence: missense variant.
Genome position (GRCh38, 1-based): chr1:99,877,820, G>A. VCF-style: chr1-99877820-G-A. GRCh37 (hg19) VCF-style: chr1-100343376-G-A.
Other names: c.1603G>A, p.Val535Ile (NM_000028.3, NM_000643.3, NM_000644.3 and 2 more transcripts); c.1555G>A, p.Val519Ile (NM_000646.3); c.1402G>A, p.Val468Ile (NM_001425327.1); c.1399G>A, p.Val467Ile (NM_001425328.1, NM_001425329.1); c.1225G>A, p.Val409Ile (NM_001425332.1); short protein forms V519I, V535I, V409I, V467I, V468I.
Identifiers: ClinVar variation 2084611 (VCV002084611.1), dbSNP rs768771032, ClinGen allele CA966537.

ClinVar aggregate classification (germline): Uncertain significance (1 of 4 stars; one submission).

Conditions:
Glycogen storage disease type III (GSD3). Also called: Cori disease; FORBES DISEASE. Identifiers: Orphanet 366, MedGen C0017922, MONDO:0009291, OMIM 232400.

Allele frequency attached by ClinVar (database versions not stated): TOPMed 0.00001; ExAC 0.00002; gnomAD exomes 0.00002.
gnomAD v4.1: 24 of 1,613,806 alleles (0.0015%); highest among the groups gnomAD compares: Middle Eastern, 0.017%; no homozygotes.

Submission:

Labcorp Genetics (formerly Invitae), Labcorp
Classification: Uncertain significance for Glycogen storage disease type III. Last evaluated: 2021-10-16. Review status: criteria provided, single submitter. Criteria: Invitae Variant Classification Sherloc (09022015). Collection method: clinical testing. Allele origin: germline.
Comment: This sequence change replaces valine with isoleucine at codon 535 of the AGL protein (p.Val535Ile). The valine residue is highly conserved and there is a small physicochemical difference between valine and isoleucine. This variant is present in population databases (rs768771032, ExAC 0.01%). This variant has not been reported in the literature in individuals affected with AGL-related conditions. Algorithms developed to predict the effect of missense changes on protein structure and function are either unavailable or do not agree on the potential impact of this missense change (SIFT: "Deleterious"; PolyPhen-2: "Possibly Damaging"; Align-GVGD: "Class C0"). In summary, the available evidence is currently insufficient to determine the role of this variant in disease. Therefore, it has been classified as a Variant of Uncertain Significance.